The following is an entry in ClinVar:

ClinVar aggregate classification (germline): Uncertain significance. Review status: criteria provided, multiple submitters, no conflicts (2 of 4 stars). 2 submissions from 2 submitters: Uncertain significance (2). Last evaluated 2026-07-06.

Conditions:
Hereditary cancer-predisposing syndrome. Also called: Tumor predisposition; Hereditary neoplastic syndrome; Hereditary Cancer Syndrome; Neoplastic Syndromes, Hereditary. Identifiers: Orphanet 140162, MedGen C0027672, MeSH D009386, MONDO:0015356.
Gastrointestinal stromal tumor. Also called: Gastrointestinal stromal tumor, somatic; Gastrointestinal stroma tumor. Identifiers: Orphanet 44890, MedGen C0238198, MeSH D046152, MONDO:0011719, OMIM 606764, HP:0100723.
Pheochromocytoma/paraganglioma syndrome 3. Also called: SDHC-Related Hereditary Paraganglioma-Pheochromocytoma Syndrome (Paragangliomas 3); SDHC-Related Hereditary Paraganglioma-Pheochromocytoma Syndrome; GLOMUS TUMORS, FAMILIAL, 3; Paragangliomas 3. Identifiers: Orphanet 29072, MedGen C1854336, MONDO:0011544, OMIM 605373.

Submissions (2):

Ambry Genetics
Classification: Uncertain significance for Hereditary cancer-predisposing syndrome. Last evaluated: 2026-07-06. Review status: criteria provided, single submitter. Criteria: Ambry Variant Classification Scheme 2023. Collection method: clinical testing. Allele origin: germline.
Comment: The p.V157D variant (also known as c.470T>A), located in coding exon 6 of the SDHC gene, results from a T to A substitution at nucleotide position 470. The valine at codon 157 is replaced by aspartic acid, an amino acid with highly dissimilar properties. This amino acid position is conserved. In addition, this alteration is predicted to be deleterious by in silico analysis. Based on the available evidence, the clinical significance of this variant remains unclear.

Labcorp Genetics (formerly Invitae), Labcorp
Classification: Uncertain significance for Pheochromocytoma/paraganglioma syndrome 3; Gastrointestinal stromal tumor. Last evaluated: 2024-02-17. Review status: criteria provided, single submitter. Criteria: Invitae Variant Classification Sherloc (09022015). Collection method: clinical testing. Allele origin: germline.
Comment: This sequence change replaces valine, which is neutral and non-polar, with aspartic acid, which is acidic and polar, at codon 157 of the SDHC protein (p.Val157Asp). This variant is not present in population databases (gnomAD no frequency). This variant has not been reported in the literature in individuals affected with SDHC-related conditions. An algorithm developed to predict the effect of missense changes on protein structure and function (PolyPhen-2) suggests that this variant is likely to be disruptive. In summary, the available evidence is currently insufficient to determine the role of this variant in disease. Therefore, it has been classified as a Variant of Uncertain Significance.

NM_003001.5(SDHC):c.470T>A (p.Val157Asp)

Gene: SDHC (succinate dehydrogenase complex subunit C; plus strand). Cytogenetic location: 1q23.3.
Variant type: single nucleotide variant.
Coding change: c.470T>A on transcript NM_003001.5 (MANE Select); coding-DNA position 470, T replaced by A.
Protein change: p.Val157Asp; replaces valine 157 with aspartic acid.
Molecular consequence: missense variant. On other transcripts: synonymous variant (3), non-coding transcript variant (1).
Genome position (GRCh38, 1-based): chr1:161,362,393, T>A. VCF-style: chr1-161362393-T-A. GRCh37 (hg19) VCF-style: chr1-161332183-T-A.
Other names: c.306T>A, p.Gly102= (NM_001035511.3); c.368T>A, p.Val123Asp (NM_001035512.3); c.311T>A, p.Val104Asp (NM_001035513.3); c.204T>A, p.Gly68= (NM_001278172.3); c.590T>A, p.Val197Asp (NM_001407115.1); c.413T>A, p.Val138Asp (NM_001407116.1); c.407T>A, p.Val136Asp (NM_001407117.1); c.362T>A, p.Val121Asp (NM_001407118.1); and 2 more; short protein forms V104D, V120D, V121D, V123D, V136D, V138D, V157D, V197D.
Identifiers: ClinVar variation 3754755 (VCV003754755.3).